The following is an entry in ClinVar:

NC_000007.14:g.117479840G>A

Genes: CFTR (CF transmembrane conductance regulator; plus strand), LOC111674463 (CFTR promoter region; plus strand). Cytogenetic location: 7q31.2.
Variant type: single nucleotide variant.
Genome position: GRCh38 VCF-style: chr7-117479840-G-A. GRCh37 (hg19) VCF-style: chr7-117119894-G-A.
Identifiers: ClinVar variation 4995009 (VCV004995009.1).

ClinVar aggregate classification (germline): Likely benign (1 of 4 stars; one submission).

Conditions:
CFTR-related disorder (CFTR-RD). Also called: CFTR-related condition; CFTR-related disorders. Identifiers: MedGen C5924204, MONDO:7770004.

Submission:

PreventionGenetics, part of Exact Sciences
Classification: Likely benign for CFTR-related condition. Last evaluated: 2026-03-23. Review status: criteria provided, single submitter. Criteria: ACMG Guidelines, 2015. Collection method: clinical testing. Allele origin: germline.
Comment: This variant is classified as likely benign based on ACMG/AMP sequence variant interpretation guidelines (Richards et al. 2015 PMID: 25741868, with internal and published modifications).